The following is an entry in ClinVar:

ClinVar aggregate classification (germline): Uncertain significance (1 of 4 stars; one submission).

Submission:

Labcorp Genetics (formerly Invitae), Labcorp
Classification: Uncertain significance. Last evaluated: 2025-06-12. Review status: criteria provided, single submitter. Criteria: Invitae Variant Classification Sherloc (09022015). Collection method: clinical testing. Allele origin: germline.
Comment: This sequence change replaces glutamine, which is neutral and polar, with histidine, which is basic and polar, at codon 1330 of the KANK1 protein (p.Gln1330His). This variant is not present in population databases (gnomAD no frequency). This variant has not been reported in the literature in individuals affected with KANK1-related conditions. ClinVar contains an entry for this variant (Variation ID: 3698888). An algorithm developed to predict the effect of missense changes on protein structure and function (PolyPhen-2) suggests that this variant is likely to be tolerated. In summary, the available evidence is currently insufficient to determine the role of this variant in disease. Therefore, it has been classified as a Variant of Uncertain Significance.

NM_015158.5(KANK1):c.3990G>C (p.Gln1330His)

Gene: KANK1 (KN motif and ankyrin repeat domains 1; plus strand). Cytogenetic location: 9p24.3.
Variant type: single nucleotide variant.
Coding change: c.3990G>C on transcript NM_015158.5 (MANE Select); coding-DNA position 3990, G replaced by C.
Protein change: p.Gln1330His; replaces glutamine 1330 with histidine.
Molecular consequence: missense variant. On other transcripts: non-coding transcript variant (1).
Genome position (GRCh38, 1-based): chr9:744,583, G>C. VCF-style: chr9-744583-G-C. GRCh37 (hg19) VCF-style: chr9-744583-G-C.
Other names: c.3990G>C, p.Gln1330His (NM_001256876.3, NM_001256877.3, NM_001354334.2); c.3750G>C, p.Gln1250His (NM_001354331.2); c.3936G>C, p.Gln1312His (NM_001354332.2); c.3516G>C, p.Gln1172His (NM_001354333.2, NM_001354335.2, NM_001354337.2 and 2 more transcripts); c.3222G>C, p.Gln1074His (NM_001354336.2); c.3462G>C, p.Gln1154His (NM_001354338.2, NM_001354340.2, NM_001354344.2); c.3276G>C, p.Gln1092His (NM_001354339.2, NM_001354342.2, NM_001354343.2); short protein forms Q1154H, Q1074H, Q1092H, Q1172H, Q1330H, Q1250H, Q1312H.
Identifiers: ClinVar variation 3698888 (VCV003698888.2).
Genomic context (GRCh38, chr9:744,583, plus strand): 5'-AGCAGGACACAAGGACATCGCTGTTCTTCTGTATGCCCATGTCAACTTTGCAAAAGCCCA[G>C]TCTCCGGTCAGTGTTGTGCATTTGGCATTTGTAAATAGGCTGAAATCCACCAGACTGGTG-3'
Protein context (NP_055973.2, residues 1320-1340): LYAHVNFAKA[Gln1330His]SPGTPRLGRK